The following is an entry in ClinVar:

NM_001297.5(CNGB1):c.2173A>G (p.Lys725Glu)

Gene: CNGB1 (cyclic nucleotide gated channel subunit beta 1; minus strand). Cytogenetic location: 16q21.
Variant type: single nucleotide variant.
Coding change: c.2173A>G on transcript NM_001297.5 (MANE Select); coding-DNA position 2173, A replaced by G.
Protein change: p.Lys725Glu; replaces lysine 725 with glutamic acid.
Molecular consequence: missense variant.
Genome position (GRCh38, 1-based): chr16:57,916,173, T>C on the plus strand (A>G on the coding strand, the complement: CNGB1 is on the minus strand). VCF-style: chr16-57916173-T-C. GRCh37 (hg19) VCF-style: chr16-57950077-T-C.
Other names: c.2155A>G, p.Lys719Glu (NM_001286130.2); short protein forms K725E, K719E.
Identifiers: ClinVar variation 863604 (VCV000863604.12), dbSNP rs1220692474, ClinGen allele CA396063605.

ClinVar aggregate classification (germline): Uncertain significance. Review status: criteria provided, multiple submitters, no conflicts (2 of 4 stars). 2 submissions from 2 submitters: Uncertain significance (2). Last evaluated 2023-08-24.

Allele frequency attached by ClinVar (database versions not stated): gnomAD exomes below 0.00001; TOPMed below 0.00001; gnomAD 0.00001.
gnomAD v4.1: 2 of 1,613,734 alleles (0.00012%); highest among the groups gnomAD compares: African/African-American, 0.0027%; no homozygotes.

Submissions (2):

Labcorp Genetics (formerly Invitae), Labcorp
Classification: Uncertain significance. Last evaluated: 2023-08-24. Review status: criteria provided, single submitter. Criteria: Invitae Variant Classification Sherloc (09022015). Collection method: clinical testing. Allele origin: germline.
Comment: Advanced modeling of protein sequence and biophysical properties (such as structural, functional, and spatial information, amino acid conservation, physicochemical variation, residue mobility, and thermodynamic stability) performed at Invitae indicates that this missense variant is not expected to disrupt CNGB1 protein function. ClinVar contains an entry for this variant (Variation ID: 863604). This variant has not been reported in the literature in individuals affected with CNGB1-related conditions. This variant is present in population databases (no rsID available, gnomAD 0.007%). This sequence change replaces lysine, which is basic and polar, with glutamic acid, which is acidic and polar, at codon 725 of the CNGB1 protein (p.Lys725Glu). In summary, the available evidence is currently insufficient to determine the role of this variant in disease. Therefore, it has been classified as a Variant of Uncertain Significance.

Blueprint Genetics
Classification: Uncertain significance. Last evaluated: 2023-06-06. Review status: criteria provided, single submitter. Criteria: ACMG Guidelines, 2015. Collection method: clinical testing. Allele origin: germline.